The following is an entry in ClinVar:

NM_005629.4(SLC6A8):c.263-1G>A

Gene: SLC6A8 (solute carrier family 6 member 8; plus strand). Cytogenetic location: Xq28.
Variant type: single nucleotide variant.
Coding change: c.263-1G>A on transcript NM_005629.4 (MANE Select); the canonical splice acceptor site of the intron before coding-DNA position 263, G replaced by A.
Molecular consequence: splice acceptor variant.
Genome position (GRCh38, 1-based): chrX:153,690,374, G>A. VCF-style: chrX-153690374-G-A. GRCh37 (hg19) VCF-style: chrX-152955829-G-A.
Other names: c.263-1G>A (NM_001142805.2); c.-83-1G>A (NM_001142806.1).
Identifiers: ClinVar variation 451902 (VCV000451902.3), dbSNP rs1557044165, ClinGen allele CA415077245.

ClinVar aggregate classification (germline): Pathogenic. Review status: criteria provided, multiple submitters, no conflicts (2 of 4 stars). 2 submissions from 2 submitters: Pathogenic (2). Last evaluated 2025-09-26.

Conditions:
Creatine transporter deficiency (CCDS1). Also called: Creatine Transporter (CRTR) Deficiency; SLC6A8-Related Creatine Transporter Deficiency; CREATINE TRANSPORTER DEFECT; CEREBRAL CREATINE DEFICIENCY SYNDROME 1; Mental retardation , X-linked with seizures, short stature and midface hypoplasia; Mental retardation , X-linked, with creatine transport deficiency. Identifiers: Orphanet 52503, MedGen C1845862, MONDO:0010305, OMIM 300352.

Submissions (2):

3billion
Classification: Pathogenic for Creatine transporter deficiency. Last evaluated: 2025-09-26. Review status: criteria provided, single submitter. Criteria: ACMG Guidelines, 2015. Collection method: clinical testing. Allele origin: germline. Affected: yes.
Comment: The variant is not observed in the gnomAD v4.1.0 dataset. Predicted Consequence/Location: Canonical splice site: predicted to alter splicing and result in a loss or disruption of normal protein function. Multiple pathogenic loss-of-function variants are reported downstream of the variant. In silico tools predict the variant to alter splicing and produce an abnormal transcript [SpliceAI: 0.99 (spliceogenicity >=0.2, non-spliceogenicity <0.1)]. The variant has been reported to be associated with SLC6A8-related disorder (ClinVar ID: VCV000451902). Therefore, this variant is classified as Pathogenic according to the recommendation of ACMG/AMP guideline.

GeneDx
Classification: Pathogenic. Last evaluated: 2018-11-13. Review status: criteria provided, single submitter. Criteria: GeneDx Variant Classification (06012015). Collection method: clinical testing. Allele origin: germline. Affected: yes.
Comment: The c.263-1G>A variant in the SLC6A8 gene has not been reported previously as a pathogenic variant nor as a benign variant, to our knowledge. This splice site variant destroys the canonical splice acceptor site in intron 1. It is predicted to cause abnormal gene splicing, either leading to an abnormal message that is subject to nonsense-mediated mRNA decay, or to an abnormal protein product if the message is used for protein translation. This variant is not observed in large population cohorts (Lek et al., 2016; 1000 Genomes Consortium et al., 2015; Exome Variant Server). We interpret c.263-1G>A as a pathogenic variant.